The following is an entry in ClinVar:

ClinVar aggregate classification (germline): Uncertain significance (1 of 4 stars; one submission).

Allele frequency attached by ClinVar (database versions not stated): gnomAD exomes below 0.00001.

Submission:

Labcorp Genetics (formerly Invitae), Labcorp
Classification: Uncertain significance. Last evaluated: 2021-11-16. Review status: criteria provided, single submitter. Criteria: Invitae Variant Classification Sherloc (09022015). Collection method: clinical testing. Allele origin: germline.
Comment: This sequence change replaces asparagine, which is neutral and polar, with lysine, which is basic and polar, at codon 339 of the RIN2 protein (p.Asn339Lys). This variant is not present in population databases (gnomAD no frequency). In summary, the available evidence is currently insufficient to determine the role of this variant in disease. Therefore, it has been classified as a Variant of Uncertain Significance. Algorithms developed to predict the effect of missense changes on protein structure and function are either unavailable or do not agree on the potential impact of this missense change (SIFT: "Tolerated"; PolyPhen-2: "Not Available"; Align-GVGD: "Class C0"). This variant has not been reported in the literature in individuals affected with RIN2-related conditions.

NM_018993.4(RIN2):c.1017C>A (p.Asn339Lys)

Gene: RIN2 (Ras and Rab interactor 2; plus strand). Cytogenetic location: 20p11.23.
Variant type: single nucleotide variant.
Coding change: c.1017C>A on transcript NM_018993.4 (MANE Select); coding-DNA position 1017, C replaced by A.
Protein change: p.Asn339Lys; replaces asparagine 339 with lysine.
Molecular consequence: missense variant.
Genome position (GRCh38, 1-based): chr20:19,975,042, C>A. VCF-style: chr20-19975042-C-A. GRCh37 (hg19) VCF-style: chr20-19955686-C-A.
Other names: c.1164C>A, p.Asn388Lys (NM_001242581.2); c.399C>A, p.Asn133Lys (NM_001378238.1); short protein forms N133K, N339K, N388K.
Identifiers: ClinVar variation 1351992 (VCV001351992.5), dbSNP rs2146320055, ClinGen allele CA408361487.